The following is an entry in ClinVar:

ClinVar aggregate classification (germline): Uncertain significance. Review status: criteria provided, multiple submitters, no conflicts (2 of 4 stars). 2 submissions from 2 submitters: Uncertain significance (2). Last evaluated 2025-05-15.

Conditions:
Inborn genetic diseases. Identifiers: MedGen C0950123, MeSH D030342.

Allele frequency attached by ClinVar (database versions not stated): gnomAD exomes 0.00001; TOPMed 0.00001.
gnomAD v4.1: 17 of 1,611,424 alleles (0.0011%); highest among the groups gnomAD compares: East Asian, 0.0067%; no homozygotes.

Submissions (2):

Labcorp Genetics (formerly Invitae), Labcorp
Classification: Uncertain significance. Last evaluated: 2025-05-15. Review status: criteria provided, single submitter. Criteria: Invitae Variant Classification Sherloc (09022015). Collection method: clinical testing. Allele origin: germline.
Comment: This sequence change replaces alanine, which is neutral and non-polar, with valine, which is neutral and non-polar, at codon 193 of the DIP2C protein (p.Ala193Val). This variant is present in population databases (rs112656020, gnomAD 0.02%). This variant has not been reported in the literature in individuals affected with DIP2C-related conditions. ClinVar contains an entry for this variant (Variation ID: 3082460). An algorithm developed to predict the effect of missense changes on protein structure and function (PolyPhen-2) suggests that this variant is likely to be tolerated. In summary, the available evidence is currently insufficient to determine the role of this variant in disease. Therefore, it has been classified as a Variant of Uncertain Significance.

Ambry Genetics
Classification: Uncertain significance for Inborn genetic diseases. Last evaluated: 2024-01-23. Review status: criteria provided, single submitter. Criteria: Ambry Variant Classification Scheme 2023. Collection method: clinical testing. Allele origin: germline.

NM_014974.3(DIP2C):c.578C>T (p.Ala193Val)

Gene: DIP2C (DIP2 acetate--CoA ligase C (putative); minus strand). Cytogenetic location: 10p15.3.
Variant type: single nucleotide variant.
Coding change: c.578C>T on transcript NM_014974.3 (MANE Select); coding-DNA position 578, C replaced by T.
Protein change: p.Ala193Val; replaces alanine 193 with valine.
Molecular consequence: missense variant.
Genome position (GRCh38, 1-based): chr10:422,850, G>A on the plus strand (C>T on the coding strand, the complement: DIP2C is on the minus strand). VCF-style: chr10-422850-G-A. GRCh37 (hg19) VCF-style: chr10-468790-G-A.
Other names: short protein forms A193V.
Identifiers: ClinVar variation 3082460 (VCV003082460.2), dbSNP rs112656020, ClinGen allele CA5381302.